The following is an entry in ClinVar:

ClinVar aggregate classification (germline): Uncertain significance. Review status: criteria provided, multiple submitters, no conflicts (2 of 4 stars). 2 submissions from 2 submitters: Uncertain significance (2). Last evaluated 2025-03-06.

Conditions:
Hereditary cancer-predisposing syndrome. Also called: Tumor predisposition; Hereditary neoplastic syndrome; Neoplastic Syndromes, Hereditary; Hereditary Cancer Syndrome. Identifiers: Orphanet 140162, MedGen C0027672, MeSH D009386, MONDO:0015356.

Allele frequency attached by ClinVar (database versions not stated): gnomAD exomes below 0.00001.
gnomAD v4.1: 4 of 1,601,554 alleles (0.00025%); highest among the groups gnomAD compares: Middle Eastern, 0.017%; no homozygotes.

Submissions (2):

Ambry Genetics
Classification: Uncertain significance for Hereditary cancer-predisposing syndrome. Last evaluated: 2025-03-06. Review status: criteria provided, single submitter. Criteria: Ambry Variant Classification Scheme 2023. Collection method: clinical testing. Allele origin: germline.
Comment: The p.P734S variant (also known as c.2200C>T), located in coding exon 13 of the RAD50 gene, results from a C to T substitution at nucleotide position 2200. The proline at codon 734 is replaced by serine, an amino acid with similar properties. This amino acid position is highly conserved in available vertebrate species. In addition, the in silico prediction for this alteration is inconclusive. Since supporting evidence is limited at this time, the clinical significance of this alteration remains unclear.

Labcorp Genetics (formerly Invitae), Labcorp
Classification: Uncertain significance for Hereditary cancer-predisposing syndrome. Last evaluated: 2018-11-01. Review status: criteria provided, single submitter. Criteria: Invitae Variant Classification Sherloc (09022015). Collection method: clinical testing. Allele origin: germline.
Comment: In summary, the available evidence is currently insufficient to determine the role of this variant in disease. Therefore, it has been classified as a Variant of Uncertain Significance. This sequence change replaces proline with serine at codon 734 of the RAD50 protein (p.Pro734Ser). The proline residue is moderately conserved and there is a moderate physicochemical difference between proline and serine. This variant is not present in population databases (ExAC no frequency). This variant has not been reported in the literature in individuals with RAD50-related disease. Algorithms developed to predict the effect of missense changes on protein structure and function are either unavailable or do not agree on the potential impact of this missense change (SIFT: "Tolerated"; PolyPhen-2: "Possibly Damaging"; Align-GVGD: "Class C0").

NM_005732.4(RAD50):c.2200C>T (p.Pro734Ser)

Gene: RAD50 (RAD50 double strand break repair protein; plus strand). Cytogenetic location: 5q31.1.
Variant type: single nucleotide variant.
Coding change: c.2200C>T on transcript NM_005732.4 (MANE Select); coding-DNA position 2200, C replaced by T.
Protein change: p.Pro734Ser; replaces proline 734 with serine.
Molecular consequence: missense variant.
Genome position (GRCh38, 1-based): chr5:132,595,803, C>T. VCF-style: chr5-132595803-C-T. GRCh37 (hg19) VCF-style: chr5-131931495-C-T.
Other names: short protein forms P734S.
Identifiers: ClinVar variation 664526 (VCV000664526.14), dbSNP rs1580997218, ClinGen allele CA360950892.